The following is an entry in ClinVar:

NM_001814.6(CTSC):c.725del (p.Gly242fs)

Gene: CTSC (cathepsin C; minus strand). Cytogenetic location: 11q14.2.
Variant type: Deletion.
Coding change: c.725del on transcript NM_001814.6 (MANE Select); coding-DNA position 725, one base deleted (G; older notation c.725delG).
Protein change: p.Gly242fs; shifts the reading frame from glycine 242.
Molecular consequence: frameshift variant.
Genome position (GRCh38, 1-based): chr11:88,300,562, C deleted on the plus strand (G on the coding strand, the reverse complement: CTSC is on the minus strand); the first of 2 consecutive C bases (chr11:88,300,562-88,300,563); deleting either gives the same sequence. VCF-style (leftmost placement, unchanged base first): chr11-88300561-AC-A. GRCh37 (hg19) VCF-style: chr11-88033729-AC-A.
Other names: short protein forms G242fs.
Identifiers: ClinVar variation 2921412 (VCV002921412.3), dbSNP rs2496540442, ClinGen allele CA2740093159.

ClinVar aggregate classification (germline): Pathogenic (1 of 4 stars; one submission).

Conditions:
Periodontitis, aggressive. Identifiers: MedGen C0031106, MONDO:0980757.
Papillon-Lefèvre syndrome (PALS). Also called: KERATOSIS PALMOPLANTARIS WITH PERIODONTOPATHIA; Papillon-Lefevre Disease. Identifiers: Orphanet 678, MedGen C0030360, MONDO:0009490, OMIM 245000.
Haim-Munk syndrome (HMS). Also called: COCHIN JEWISH DISORDER; KERATOSIS PALMOPLANTARIS WITH PERIODONTOPATHIA AND ONYCHOGRYPOSIS. Identifiers: Orphanet 2342, MedGen C1855627, MONDO:0009491, OMIM 245010.

Submission:

Labcorp Genetics (formerly Invitae), Labcorp
Classification: Pathogenic for Haim-Munk syndrome; Periodontitis, aggressive; Papillon-Lefèvre syndrome. Last evaluated: 2023-12-14. Review status: criteria provided, single submitter. Criteria: Invitae Variant Classification Sherloc (09022015). Collection method: clinical testing. Allele origin: germline.
Comment: This sequence change creates a premature translational stop signal (p.Gly242Valfs*26) in the CTSC gene. It is expected to result in an absent or disrupted protein product. Loss-of-function variants in CTSC are known to be pathogenic (PMID: 10662808, 11106356, 11886537). This variant is not present in population databases (gnomAD no frequency). This variant has not been reported in the literature in individuals affected with CTSC-related conditions. For these reasons, this variant has been classified as Pathogenic.

Literature cited by the submitters: PubMed 10662808; PubMed 11106356; PubMed 11886537.